The following is an entry in ClinVar:

ClinVar aggregate classification (germline): Uncertain significance (1 of 4 stars; one submission).

Conditions:
Cowden syndrome 6 (CWS6). Identifiers: Orphanet 201, MedGen C3554519, MONDO:0014048, OMIM 615109.

Allele frequency attached by ClinVar (database versions not stated): TOPMed 0.00001; gnomAD 0.00003.
gnomAD v4.1: 11 of 1,613,870 alleles (0.00068%); highest among the groups gnomAD compares: Non-Finnish European, 0.00093%; no homozygotes.

Submission:

Labcorp Genetics (formerly Invitae), Labcorp
Classification: Uncertain significance for Cowden syndrome 6. Last evaluated: 2024-11-25. Review status: criteria provided, single submitter. Criteria: Invitae Variant Classification Sherloc (09022015). Collection method: clinical testing. Allele origin: germline.
Comment: This sequence change replaces threonine, which is neutral and polar, with lysine, which is basic and polar, at codon 371 of the AKT1 protein (p.Thr371Lys). This variant is present in population databases (no rsID available, gnomAD 0.002%). This variant has not been reported in the literature in individuals affected with AKT1-related conditions. ClinVar contains an entry for this variant (Variation ID: 659912). An algorithm developed to predict the effect of missense changes on protein structure and function (PolyPhen-2) suggests that this variant is likely to be disruptive. In summary, the available evidence is currently insufficient to determine the role of this variant in disease. Therefore, it has been classified as a Variant of Uncertain Significance.

NM_001382430.1(AKT1):c.1112C>A (p.Thr371Lys)

Gene: AKT1 (AKT serine/threonine kinase 1; minus strand). Cytogenetic location: 14q32.33.
Variant type: single nucleotide variant.
Coding change: c.1112C>A on transcript NM_001382430.1 (MANE Select); coding-DNA position 1112, C replaced by A.
Protein change: p.Thr371Lys; replaces threonine 371 with lysine.
Molecular consequence: missense variant.
Genome position (GRCh38, 1-based): chr14:104,772,938, G>T on the plus strand (C>A on the coding strand, the complement: AKT1 is on the minus strand). VCF-style: chr14-104772938-G-T. GRCh37 (hg19) VCF-style: chr14-105239275-G-T.
Other names: c.1112C>A, p.Thr371Lys (NM_001014431.2, NM_001014432.2, NM_001382431.1 and 3 more transcripts); short protein forms T371K.
Identifiers: ClinVar variation 659912 (VCV000659912.8), dbSNP rs781388586, ClinGen allele CA267349064.